The following is an entry in ClinVar:

ClinVar aggregate classification (germline): Benign. Review status: criteria provided, multiple submitters, no conflicts (2 of 4 stars). 7 submissions from 7 submitters: Benign (5). 2 of the submissions do not count toward it. Last evaluated 2026-02-04.

Conditions:
Weill-Marchesani 4 syndrome, recessive. Also called: Weill-Marchesani syndrome 4. Identifiers: Orphanet 363992, MedGen C2750787, MONDO:0013176, OMIM 613195.

Allele frequency attached by ClinVar (database versions not stated): gnomAD exomes 0.23213 and 0.27191; ESP Exome Variant Server 0.24412; gnomAD 0.25319 and 0.25649; TOPMed 0.26581; ExAC 0.26761; 1000 Genomes Project 30x 0.30387; 1000 Genomes Project 0.30731.
gnomAD v4.1: 379,114 of 1,613,644 alleles (23%); highest among the groups gnomAD compares: East Asian, 45%; 47,002 homozygotes.

Submissions (7):

Labcorp Genetics (formerly Invitae), Labcorp
Classification: Benign. Last evaluated: 2026-02-04. Review status: criteria provided, single submitter. Criteria: Invitae Variant Classification Sherloc (09022015). Collection method: clinical testing. Allele origin: germline.

Blueprint Genetics
Classification: Benign. Last evaluated: 2024-11-27. Review status: criteria provided, single submitter. Criteria: ACMG Guidelines, 2015. Collection method: clinical testing. Allele origin: germline.

GeneDx
Classification: Benign. Last evaluated: 2018-09-06. Review status: criteria provided, single submitter. Criteria: GeneDx Variant Classification Process June 2021. Collection method: clinical testing. Allele origin: germline. Affected: yes.

Illumina Laboratory Services, Illumina
Classification: Benign for Weill-Marchesani 4 syndrome, recessive. Last evaluated: 2018-01-13. Review status: criteria provided, single submitter. Criteria: ICSL Variant Classification Criteria 13 December 2019. Collection method: clinical testing. Allele origin: germline.
Comment: This variant was observed in the ICSL laboratory as part of a predisposition screen in an ostensibly healthy population. It had not been previously curated by ICSL or reported in the Human Gene Mutation Database (HGMD: prior to June 1st, 2018), and was therefore a candidate for classification through an automated scoring system. Utilizing variant allele frequency, disease prevalence and penetrance estimates, and inheritance mode, an automated score was calculated to assess if this variant is too frequent to cause the disease. Based on the score and internal cut-off values, a variant classified as benign is not then subjected to further curation. The score for this variant resulted in a classification of benign for this disease.

Breakthrough Genomics
Classification: Benign. Review status: criteria provided, single submitter. Criteria: ACMG Guidelines, 2015. Collection method: not provided. Allele origin: germline. Inheritance: Autosomal recessive inheritance. Affected: yes.

Diagnostic Laboratory, Department of Genetics, University Medical Center Groningen
Classification: Benign for Weill-Marchesani 4 syndrome, recessive. Review status: no assertion criteria provided. Collection method: clinical testing. Allele origin: germline. Affected: yes. Study: VKGL Data-share Consensus. Not counted in ClinVar's aggregate classification.

Genome Diagnostics Laboratory, Amsterdam University Medical Center
Classification: Benign. Review status: no assertion criteria provided. Collection method: clinical testing. Allele origin: germline. Affected: yes. Study: VKGL Data-share Consensus. Not counted in ClinVar's aggregate classification.

NM_139057.4(ADAMTS17):c.2138-12C>T

Gene: ADAMTS17 (ADAM metallopeptidase with thrombospondin type 1 motif 17; minus strand). Cytogenetic location: 15q26.3.
Variant type: single nucleotide variant.
Coding change: c.2138-12C>T on transcript NM_139057.4 (MANE Select); 12 bases into the intron before coding-DNA position 2138, C replaced by T.
Molecular consequence: intron variant.
Genome position (GRCh38, 1-based): chr15:100,054,066, G>A on the plus strand (C>T on the coding strand, the complement: ADAMTS17 is on the minus strand). VCF-style: chr15-100054066-G-A. GRCh37 (hg19) VCF-style: chr15-100594271-G-A.
Identifiers: ClinVar variation 315269 (VCV000315269.18), dbSNP rs28529328, ClinGen allele CA7757843.